The following is an entry in ClinVar:

ClinVar aggregate classification (germline): Benign. Review status: criteria provided, multiple submitters, no conflicts (2 of 4 stars). 15 submissions from 14 submitters: Benign (12). 3 of the submissions do not count toward it. Last evaluated 2026-02-04.

Conditions:
RYR1-related disorder. Also called: RYR1-related condition; RYR1-related disorders. Identifiers: MedGen CN239331.
Malignant hyperthermia, susceptibility to, 1 (MHS1). Also called: Malignant hyperthermia suceptibility 1; Anesthesia related hyperthermia; Malignant hyperpyrexia; Fulminating hyperpyrexia; Pharmacogenic myopathy; RYR1-Related Malignant Hyperthermia Susceptibility. Identifiers: Orphanet 423, MedGen C2930980, MONDO:0007783, OMIM 145600.
Congenital multicore myopathy with external ophthalmoplegia (CMYO1B). Also called: MULTIMINICORE DISEASE WITH EXTERNAL OPHTHALMOPLEGIA; MULTICORE MYOPATHY; Minicore myopathy with external ophthalmoplegia; Congenital myopathy 1B, autosomal recessive; Minicore myopathy. Identifiers: Orphanet 598, Orphanet 98905, MedGen C1850674, MONDO:0009712, OMIM 255320, HP:0003789.

Allele frequency attached by ClinVar (database versions not stated): gnomAD 0.07074 and 0.07402; TOPMed 0.07152; 1000 Genomes Project 30x 0.07495; 1000 Genomes Project 0.07508; ESP Exome Variant Server 0.07681; gnomAD exomes 0.09075 and 0.09267; ExAC 0.09190.
gnomAD v4.1: 146,284 of 1,610,930 alleles (9.1%); highest among the groups gnomAD compares: South Asian, 18%; 7,724 homozygotes.

Submissions (15):

Labcorp Genetics (formerly Invitae), Labcorp
Classification: Benign for RYR1-related disorder. Last evaluated: 2026-02-04. Review status: criteria provided, single submitter. Criteria: Invitae Variant Classification Sherloc (09022015). Collection method: clinical testing. Allele origin: germline.

Blueprint Genetics
Classification: Benign. Last evaluated: 2024-11-28. Review status: criteria provided, single submitter. Criteria: ACMG Guidelines, 2015. Collection method: clinical testing. Allele origin: germline.

Color Diagnostics, LLC DBA Color Health
Classification: Benign for Malignant hyperthermia, susceptibility to, 1. Last evaluated: 2019-03-29. Review status: criteria provided, single submitter. Criteria: ACMG Guidelines, 2015. Collection method: clinical testing. Allele origin: germline.

PreventionGenetics, part of Exact Sciences
Classification: Benign. Last evaluated: 2018-03-21. Review status: criteria provided, single submitter. Criteria: ACMG Guidelines, 2015. Collection method: clinical testing. Allele origin: germline.

Illumina Laboratory Services, Illumina
Classification: Benign for Congenital multicore myopathy with external ophthalmoplegia. Last evaluated: 2018-01-13. Review status: criteria provided, single submitter. Criteria: ICSL Variant Classification Criteria 13 December 2019. Collection method: clinical testing. Allele origin: germline.
Comment: This variant was observed in the ICSL laboratory as part of a predisposition screen in an ostensibly healthy population. It had not been previously curated by ICSL or reported in the Human Gene Mutation Database (HGMD: prior to June 1st, 2018), and was therefore a candidate for classification through an automated scoring system. Utilizing variant allele frequency, disease prevalence and penetrance estimates, and inheritance mode, an automated score was calculated to assess if this variant is too frequent to cause the disease. Based on the score and internal cut-off values, a variant classified as benign is not then subjected to further curation. The score for this variant resulted in a classification of benign for this disease.

Illumina Laboratory Services, Illumina
Classification: Benign for Malignant hyperthermia, susceptibility to, 1. Last evaluated: 2018-01-13. Review status: criteria provided, single submitter. Criteria: ICSL Variant Classification Criteria 13 December 2019. Collection method: clinical testing. Allele origin: germline.
Comment: the same text as in the submission from Illumina Laboratory Services, Illumina above.

Mayo Clinic Laboratories, Mayo Clinic
Classification: Benign. Last evaluated: 2017-08-25. Review status: criteria provided, single submitter. Criteria: ACMG Guidelines, 2015. Collection method: clinical testing. Allele origin: germline. Observed: 130 variant alleles.

GeneDx
Classification: Benign. Last evaluated: 2016-02-08. Review status: criteria provided, single submitter. Criteria: GeneDx Variant Classification (06012015). Collection method: clinical testing. Allele origin: germline. Affected: yes.
Comment: This variant is considered likely benign or benign based on one or more of the following criteria: it is a conservative change, it occurs at a poorly conserved position in the protein, it is predicted to be benign by multiple in silico algorithms, and/or has population frequency not consistent with disease.

Laboratory for Molecular Medicine, Mass General Brigham Personalized Medicine
Classification: Benign. Last evaluated: 2015-01-13. Review status: criteria provided, single submitter. Criteria: LMM Criteria. Collection method: clinical testing. Allele origin: germline. Observed: 1 variant allele.
Comment: p.Lys2013Lys in exon 37 of RYR1: This variant is not expected to have clinical s ignificance because it does not alter an amino acid residue and is not located w ithin the splice consensus sequence. It has been identified in 9.8% (844/8600) o f European American chromosomes from a broad population by the NHLBI Exome Seque ncing Project (dbSNP rs2228068).

Genetic Services Laboratory, University of Chicago
Classification: Benign. Last evaluated: 2013-08-15. Review status: criteria provided, single submitter. Criteria: ACMG Guidelines, 2007. Collection method: clinical testing. Allele origin: germline. Inheritance: Autosomal unknown.

Eurofins Ntd Llc (ga)
Classification: Benign. Last evaluated: 2013-07-31. Review status: criteria provided, single submitter. Criteria: EGL Classification Definitions 2015. Collection method: clinical testing. Allele origin: germline. Observed: 8 variant alleles, 8 heterozygotes.

Breakthrough Genomics
Classification: Benign. Review status: criteria provided, single submitter. Criteria: ACMG Guidelines, 2015. Collection method: not provided. Allele origin: germline. Inheritance: Autosomal recessive inheritance. Affected: yes.

Clinical Genetics, Academic Medical Center
Classification: Benign. Review status: no assertion criteria provided. Collection method: clinical testing. Allele origin: germline. Affected: yes. Study: VKGL Data-share Consensus. Not counted in ClinVar's aggregate classification.

Joint Genome Diagnostic Labs from Nijmegen and Maastricht, Radboudumc and MUMC+
Classification: Benign. Review status: no assertion criteria provided. Collection method: clinical testing. Allele origin: germline. Affected: yes. Study: VKGL Data-share Consensus. Not counted in ClinVar's aggregate classification.

RYR1 database
No classification provided. Review status: no classification provided. Collection method: not provided. Allele origin: unknown. Not counted in ClinVar's aggregate classification.

NM_000540.3(RYR1):c.6039A>G (p.Lys2013=)

Gene: RYR1 (ryanodine receptor 1; plus strand). Cytogenetic location: 19q13.2.
Variant type: single nucleotide variant.
Coding change: c.6039A>G on transcript NM_000540.3 (MANE Select); coding-DNA position 6039, A replaced by G.
Protein change: p.Lys2013=; no amino-acid change (lysine 2013 retained).
Molecular consequence: synonymous variant.
Genome position (GRCh38, 1-based): chr19:38,490,644, A>G. VCF-style: chr19-38490644-A-G. GRCh37 (hg19) VCF-style: chr19-38981284-A-G.
Other names: p.Lys2013=; c.6039A>G, p.Lys2013= (NM_001042723.2).
Identifiers: ClinVar variation 93278 (VCV000093278.33), dbSNP rs2228068, ClinGen allele CA024550.